The following is an entry in ClinVar:

ClinVar aggregate classification (germline): Uncertain significance. Review status: criteria provided, multiple submitters, no conflicts (2 of 4 stars). 2 submissions from 2 submitters: Uncertain significance (2). Last evaluated 2021-10-29.

Conditions:
Inborn genetic diseases. Identifiers: MedGen C0950123, MeSH D030342.

Allele frequency attached by ClinVar (database versions not stated): gnomAD exomes below 0.00001; TOPMed below 0.00001; gnomAD 0.00001.
gnomAD v4.1: 6 of 1,614,108 alleles (0.00037%); highest among the groups gnomAD compares: Non-Finnish European, 0.00051%; no homozygotes.

Submissions (2):

Ambry Genetics
Classification: Uncertain significance for Inborn genetic diseases. Last evaluated: 2021-10-29. Review status: criteria provided, single submitter. Criteria: Ambry Variant Classification Scheme 2023. Collection method: clinical testing. Allele origin: germline.

GeneDx
Classification: Uncertain significance. Last evaluated: 2021-04-20. Review status: criteria provided, single submitter. Criteria: GeneDx Variant Classification Process June 2021. Collection method: clinical testing. Allele origin: germline. Affected: yes.
Comment: Not observed at a significant frequency in large population cohorts (Lek et al., 2016); In silico analysis supports that this missense variant has a deleterious effect on protein structure/function; Has not been previously published as pathogenic or benign to our knowledge

NM_001017995.3(SH3PXD2B):c.2670G>C (p.Gln890His)

Gene: SH3PXD2B (SH3 and PX domains 2B; minus strand). Cytogenetic location: 5q35.1.
Variant type: single nucleotide variant.
Coding change: c.2670G>C on transcript NM_001017995.3 (MANE Select); coding-DNA position 2670, G replaced by C.
Protein change: p.Gln890His; replaces glutamine 890 with histidine.
Molecular consequence: missense variant. On other transcripts: intron variant (1).
Genome position (GRCh38, 1-based): chr5:172,338,435, C>G on the plus strand (G>C on the coding strand, the complement: SH3PXD2B is on the minus strand). VCF-style: chr5-172338435-C-G. GRCh37 (hg19) VCF-style: chr5-171765439-C-G.
Other names: c.1188+7701G>C (NM_001308175.2); short protein forms Q890H.
Identifiers: ClinVar variation 1314869 (VCV001314869.4), dbSNP rs1172633904, ClinGen allele CA362144944.